The following is an entry in ClinVar:

ClinVar aggregate classification (germline): Uncertain significance (0 of 4 stars; one submission).

Conditions:
HTR2C-related disorder. Also called: HTR2C-related condition.

gnomAD v4.1: 16 of 1,206,883 alleles (0.0013%); highest among the groups gnomAD compares: Non-Finnish European, 0.0018%; no homozygotes.

Submission:

PreventionGenetics, part of Exact Sciences
Classification: Uncertain significance for HTR2C-related condition. Last evaluated: 2024-08-07. Review status: no assertion criteria provided. Collection method: clinical testing. Allele origin: germline.
Comment: The HTR2C c.485C>T variant is predicted to result in the amino acid substitution p.Thr162Ile. To our knowledge, this variant has not been reported in the literature. This variant is reported in 0.0013% of alleles in individuals of European (Non-Finnish) descent in gnomAD. At this time, the clinical significance of this variant is uncertain due to the absence of conclusive functional and genetic evidence.

NM_000868.4(HTR2C):c.580C>T (p.Leu194=)

Genes: HTR2C (5-hydroxytryptamine receptor 2C; plus strand), LOC126863306 (MED14-independent group 3 enhancer GRCh37_chrX:114140926-114142125; plus strand). Cytogenetic location: Xq23.
Variant type: single nucleotide variant.
Coding change: c.580C>T on transcript NM_000868.4 (MANE Select); coding-DNA position 580, C replaced by T.
Protein change: p.Leu194=; no amino-acid change (leucine 194 retained).
Molecular consequence: synonymous variant. On other transcripts: missense variant (1).
Genome position (GRCh38, 1-based): chrX:114,906,618, C>T. VCF-style: chrX-114906618-C-T. GRCh37 (hg19) VCF-style: chrX-114141181-C-T.
Other names: c.580C>T, p.Leu194= (NM_001256760.3); c.485C>T, p.Thr162Ile (NM_001256761.3); short protein forms T162I.
Identifiers: ClinVar variation 3345402 (VCV003345402.1).